The following is an entry in ClinVar:

NM_177977.3(HAP1):c.1801_1804delinsCTCCAGAAAGG (p.Cys601fs)

Gene: HAP1 (huntingtin associated protein 1; minus strand). Cytogenetic location: 17q21.2.
Variant type: Indel.
Coding change: c.1801_1804delinsCTCCAGAAAGG on transcript NM_177977.3 (MANE Select); coding-DNA positions 1801 to 1804, TGCC replaced by CTCCAGAAAGG.
Protein change: p.Cys601fs; shifts the reading frame from cysteine 601.
Molecular consequence: frameshift variant. On other transcripts: intron variant (4).
Genome position (GRCh38, 1-based): chr17:41,724,757-41,724,760, GGCA replaced by CCTTTCTGGAG on the plus strand (TGCC replaced by CTCCAGAAAGG on the coding strand, the reverse complement: HAP1 is on the minus strand). VCF-style: chr17-41724757-GGCA-CCTTTCTGGAG. GRCh37 (hg19) VCF-style: chr17-39881009-GGCA-CCTTTCTGGAG.
Other names: c.1750_1753delinsCTCCAGAAAGG, p.Cys584fs (NM_001079870.1); c.1726_1729delinsCTCCAGAAAGG, p.Cys576fs (NM_001079871.1); c.1331+1099_1331+1102delinsCTCCAGAAAGG (NM_001367462.1); c.1720+6_1720+9delinsCTCCAGAAAGG (NM_001367461.1); c.1855+6_1855+9delinsCTCCAGAAAGG (NM_001367460.1); c.1891+6_1891+9delinsCTCCAGAAAGG (NM_001367459.1); short protein forms C576fs, C584fs, C601fs.
Identifiers: ClinVar variation 3347002 (VCV003347002.1).

ClinVar aggregate classification (germline): Uncertain significance (0 of 4 stars; one submission).

Conditions:
HAP1-related disorder. Also called: HAP1-related condition.

Submission:

PreventionGenetics, part of Exact Sciences
Classification: Uncertain significance for HAP1-related condition. Last evaluated: 2024-08-07. Review status: no assertion criteria provided. Collection method: clinical testing. Allele origin: germline.
Comment: The HAP1 c.1801_1804delinsCTCCAGAAAGG variant is predicted to result in a frameshift and premature protein termination (p.Cys601Leufs*28). To our knowledge, this variant has not been reported in the literature or in a large population database, indicating this variant is rare. At this time, the clinical significance of this variant is uncertain due to the absence of conclusive functional and genetic evidence.